The following is an entry in ClinVar:

ClinVar aggregate classification (germline): Conflicting classifications of pathogenicity. Review status: criteria provided, conflicting classifications (1 of 4 stars). 5 submissions from 5 submitters: Pathogenic (1); Likely pathogenic (2); Uncertain significance (1). 1 of the submissions does not count toward it. Last evaluated 2026-02-01.

Allele frequency attached by ClinVar (database versions not stated): gnomAD exomes below 0.00001.
gnomAD v4.1: 2 of 1,549,562 alleles (0.00013%); highest among the groups gnomAD compares: Non-Finnish European, 0.00017%; no homozygotes.

Submissions (5):

CeGaT Center for Human Genetics Tuebingen
Classification: Likely pathogenic. Last evaluated: 2026-02-01. Review status: criteria provided, single submitter. Criteria: CeGaT Center For Human Genetics Tuebingen Variant Classification Criteria Version 2. Collection method: clinical testing. Allele origin: germline. Affected: yes. Observed: 1 variant allele.
Comment: BEST1: PS4, PM1, PM2, PM5, BS3:Supporting

Labcorp Genetics (formerly Invitae), Labcorp
Classification: Pathogenic. Last evaluated: 2026-01-09. Review status: criteria provided, single submitter. Criteria: Invitae Variant Classification Sherloc (09022015). Collection method: clinical testing. Allele origin: germline.
Comment: This sequence change replaces proline, which is neutral and non-polar, with threonine, which is neutral and polar, at codon 101 of the BEST1 protein (p.Pro101Thr). This variant is not present in population databases (gnomAD no frequency). This missense change has been observed in individuals with autosomal dominant vitelliform macular dystrophy (Best disease) (PMID: 21273940). This variant has been reported in individual(s) with autosomal recessive bestrophinopathy (PMID: 22162627); however, the role of the variant in this condition is currently unclear. ClinVar contains an entry for this variant (Variation ID: 99710). Invitae Evidence Modeling of protein sequence and biophysical properties (such as structural, functional, and spatial information, amino acid conservation, physicochemical variation, residue mobility, and thermodynamic stability) indicates that this missense variant is expected to disrupt BEST1 protein function with a positive predictive value of 95%. Experimental studies have shown that this missense change does not substantially affect BEST1 function (PMID: 24560797). This variant disrupts the p.Pro101 amino acid residue in BEST1. Other variant(s) that disrupt this residue have been determined to be pathogenic (PMID: 21273940, 28559085). This suggests that this residue is clinically significant, and that variants that disrupt this residue are likely to be disease-causing. For these reasons, this variant has been classified as Pathogenic.

GeneDx
Classification: Uncertain significance. Last evaluated: 2024-12-10. Review status: criteria provided, single submitter. Criteria: GeneDx Variant Classification Process June 2021. Collection method: clinical testing. Allele origin: germline. Affected: yes.
Comment: Not observed at significant frequency in large population cohorts (gnomAD); In silico analysis supports that this missense variant has a deleterious effect on protein structure/function; This variant is associated with the following publications: (PMID: 36156730, 24560797, 10798642, 31570112, 37717827, 28153808, 22162627, 21273940, 32967234)

Dasa
Classification: Likely pathogenic. Last evaluated: 2024-11-07. Review status: criteria provided, single submitter. Criteria: DASA Assertion Criteria. Collection method: clinical testing. Allele origin: germline.
Comment: NM_004183.4(BEST1):c.301C>A (p.Pro101Thr) is a missense variant that results in the substitution of proline with threonine. The affected residue or protein region has prior evidence supporting clinical relevance. This variant has been observed in affected individuals with BEST1-related disorders. Also, this variant is rare in population databases. Computational evidence supports a deleterious effect. Based on the currently available evidence, this variant is classified as likely pathogenic.

Retina International
No classification provided. Review status: no classification provided. Collection method: not provided. Allele origin: not provided. Not counted in ClinVar's aggregate classification.

Literature cited by the submitters: PubMed 21273940 (cited by Labcorp Genetics (formerly Invitae), Labcorp); PubMed 22162627 (cited by Labcorp Genetics (formerly Invitae), Labcorp); PubMed 24560797 (cited by Labcorp Genetics (formerly Invitae), Labcorp); PubMed 28559085 (cited by Labcorp Genetics (formerly Invitae), Labcorp).

NM_004183.4(BEST1):c.301C>A (p.Pro101Thr)

Gene: BEST1 (bestrophin 1; plus strand). Cytogenetic location: 11q12.3.
Variant type: single nucleotide variant.
Coding change: c.301C>A on transcript NM_004183.4 (MANE Select); coding-DNA position 301, C replaced by A.
Protein change: p.Pro101Thr; replaces proline 101 with threonine.
Molecular consequence: missense variant. On other transcripts: non-coding transcript variant (1).
Genome position (GRCh38, 1-based): chr11:61,955,771, C>A. VCF-style: chr11-61955771-C-A. GRCh37 (hg19) VCF-style: chr11-61723243-C-A.
Other names: c.-875C>A (NM_001363593.3); c.121C>A, p.Pro41Thr (NM_001139443.3, NM_001300786.2, NM_001300787.2); c.-18C>A (NM_001363591.3); c.301C>A, p.Pro101Thr (NM_001363592.2); short protein forms P101T, P41T.
Identifiers: ClinVar variation 99710 (VCV000099710.14), dbSNP rs281865229, ClinGen allele CA227763.